The following is an entry in ClinVar:

ClinVar aggregate classification (germline): Pathogenic/Likely pathogenic. Review status: criteria provided, multiple submitters, no conflicts (2 of 4 stars). 2 submissions from 2 submitters: Pathogenic (1); Likely pathogenic (1). Last evaluated 2025-12-22.

Conditions:
PCNT-related disorder. Also called: PCNT-related condition.

Allele frequency attached by ClinVar (database versions not stated): gnomAD exomes below 0.00001.
gnomAD v4.1: 3 of 1,612,342 alleles (0.00019%); highest among the groups gnomAD compares: Non-Finnish European, 0.00025%; no homozygotes.

Submissions (2):

PreventionGenetics, part of Exact Sciences
Classification: Likely pathogenic for PCNT-related condition. Last evaluated: 2025-12-22. Review status: criteria provided, single submitter. Criteria: ACMG Guidelines, 2015. Collection method: clinical testing. Allele origin: germline.
Comment: The PCNT c.7579C>T variant is predicted to result in premature protein termination (p.Gln2527*). To our knowledge, this variant has not been reported in the literature or in a large population database (gnomAD), indicating this variant is rare. Nonsense variants in PCNT are expected to be pathogenic. This variant is interpreted as likely pathogenic.

Labcorp Genetics (formerly Invitae), Labcorp
Classification: Pathogenic. Last evaluated: 2023-10-25. Review status: criteria provided, single submitter. Criteria: Invitae Variant Classification Sherloc (09022015). Collection method: clinical testing. Allele origin: germline.
Comment: This sequence change creates a premature translational stop signal (p.Gln2527*) in the PCNT gene. It is expected to result in an absent or disrupted protein product. Loss-of-function variants in PCNT are known to be pathogenic (PMID: 18174396, 22821869). This variant is not present in population databases (gnomAD no frequency). This variant has not been reported in the literature in individuals affected with PCNT-related conditions. For these reasons, this variant has been classified as Pathogenic.

Literature cited by the submitters: PubMed 18174396 (cited by Labcorp Genetics (formerly Invitae), Labcorp); PubMed 22821869 (cited by Labcorp Genetics (formerly Invitae), Labcorp).

NM_006031.6(PCNT):c.7579C>T (p.Gln2527Ter)

Gene: PCNT (pericentrin; plus strand). Cytogenetic location: 21q22.3.
Variant type: single nucleotide variant.
Coding change: c.7579C>T on transcript NM_006031.6 (MANE Select); coding-DNA position 7579, C replaced by T.
Protein change: p.Gln2527Ter; replaces glutamine 2527 with a stop codon.
Molecular consequence: nonsense.
Genome position (GRCh38, 1-based): chr21:46,428,479, C>T. VCF-style: chr21-46428479-C-T. GRCh37 (hg19) VCF-style: chr21-47848393-C-T.
Other names: c.7579C>T (NM_006031.5); c.7225C>T, p.Gln2409Ter (NM_001315529.2); short protein forms Q2409*, Q2527*.
Identifiers: ClinVar variation 2717000 (VCV002717000.4), dbSNP rs2518971630, ClinGen allele CA410570316.
Genomic context (GRCh38, chr21:46,428,479, plus strand): 5'-GAGCATCTTCGCTTGCCGGACCGGAGCAGCCTGCTGTCCGAGATCCAGGCGCTGCGTGCC[C>T]AGCTGCGCATGACGCACCTGCAGAACCAGGAGAAGCTGCAGCACTTGCGCACGGCGCTGA-3'